The following is an entry in ClinVar:

NM_001197104.2(KMT2A):c.9822G>C (p.Leu3274Phe)

Gene: KMT2A (lysine methyltransferase 2A; plus strand). Cytogenetic location: 11q23.3.
Variant type: single nucleotide variant.
Coding change: c.9822G>C on transcript NM_001197104.2 (MANE Select); coding-DNA position 9822, G replaced by C.
Protein change: p.Leu3274Phe; replaces leucine 3274 with phenylalanine.
Molecular consequence: missense variant.
Genome position (GRCh38, 1-based): chr11:118,505,714, G>C. VCF-style: chr11-118505714-G-C. GRCh37 (hg19) VCF-style: chr11-118376429-G-C.
Other names: c.9912G>C, p.Leu3304Phe (NM_001412597.1); c.9813G>C, p.Leu3271Phe (NM_005933.4); short protein forms L3271F, L3274F, L3304F.
Identifiers: ClinVar variation 2747296 (VCV002747296.3), dbSNP rs2497023272, ClinGen allele CA382821863.

ClinVar aggregate classification (germline): Uncertain significance (1 of 4 stars; one submission).

Submission:

Labcorp Genetics (formerly Invitae), Labcorp
Classification: Uncertain significance. Last evaluated: 2023-07-26. Review status: criteria provided, single submitter. Criteria: Invitae Variant Classification Sherloc (09022015). Collection method: clinical testing. Allele origin: germline.
Comment: This sequence change replaces leucine, which is neutral and non-polar, with phenylalanine, which is neutral and non-polar, at codon 3274 of the KMT2A protein (p.Leu3274Phe). In summary, the available evidence is currently insufficient to determine the role of this variant in disease. Therefore, it has been classified as a Variant of Uncertain Significance. Advanced modeling of protein sequence and biophysical properties (such as structural, functional, and spatial information, amino acid conservation, physicochemical variation, residue mobility, and thermodynamic stability) performed at Invitae indicates that this missense variant is not expected to disrupt KMT2A protein function. This variant has not been reported in the literature in individuals affected with KMT2A-related conditions. This variant is not present in population databases (gnomAD no frequency).